The following is an entry in ClinVar:

ClinVar aggregate classification (germline): Uncertain significance. Review status: criteria provided, multiple submitters, no conflicts (2 of 4 stars). 2 submissions from 2 submitters: Uncertain significance (2). Last evaluated 2022-12-31.

Conditions:
Loeys-Dietz syndrome 4 (LDS4). Also called: TGFB2-Related Loeys-Dietz Syndrome; ANEURYSM, AORTIC AND CEREBRAL, WITH ARTERIAL TORTUOSITY AND SKELETAL MANIFESTATIONS. Identifiers: MedGen C3553762, MONDO:0013897, OMIM 614816.

Submissions (2):

Labcorp Genetics (formerly Invitae), Labcorp
Classification: Uncertain significance for Loeys-Dietz syndrome 4. Last evaluated: 2022-12-31. Review status: criteria provided, single submitter. Criteria: Invitae Variant Classification Sherloc (09022015). Collection method: clinical testing. Allele origin: germline.
Comment: This variant has not been reported in the literature in individuals affected with TGFB2-related conditions. This variant is not present in population databases (gnomAD no frequency). This sequence change replaces lysine, which is basic and polar, with asparagine, which is neutral and polar, at codon 327 of the TGFB2 protein (p.Lys327Asn). ClinVar contains an entry for this variant (Variation ID: 426314). In summary, the available evidence is currently insufficient to determine the role of this variant in disease. Therefore, it has been classified as a Variant of Uncertain Significance. Algorithms developed to predict the effect of sequence changes on RNA splicing suggest that this variant may create or strengthen a splice site. Advanced modeling of protein sequence and biophysical properties (such as structural, functional, and spatial information, amino acid conservation, physicochemical variation, residue mobility, and thermodynamic stability) performed at Invitae indicates that this missense variant is not expected to disrupt TGFB2 protein function.

GeneDx
Classification: Uncertain significance. Last evaluated: 2017-04-20. Review status: criteria provided, single submitter. Criteria: GeneDx Variant Classification (06012015). Collection method: clinical testing. Allele origin: germline. Affected: yes.
Comment: The K327N variant of uncertain significance in the TGFB2 gene has not been published as pathogenic or been reported as benign to our knowledge. K327N is not observed in large population cohorts (Lek et al., 2016; 1000 Genomes Consortium et al., 2015; Exome Variant Server). The K327N variant is a semi-conservative amino acid substitution, which may impact secondary protein structure as these residues differ in some properties. Moreover, this substitution occurs at a position where only amino acids with similar properties to lysine are tolerated across species. Nevertheless, in silico analysis is inconsistent in its predictions as to whether or not the variant is damaging to the protein structure/function.

NM_003238.6(TGFB2):c.981G>T (p.Lys327Asn)

Gene: TGFB2 (transforming growth factor beta 2; plus strand). Cytogenetic location: 1q41.
Variant type: single nucleotide variant.
Coding change: c.981G>T on transcript NM_003238.6 (MANE Select); coding-DNA position 981, G replaced by T.
Protein change: p.Lys327Asn; replaces lysine 327 with asparagine.
Molecular consequence: missense variant. On other transcripts: non-coding transcript variant (2).
Genome position (GRCh38, 1-based): chr1:218,437,391, G>T. VCF-style: chr1-218437391-G-T. GRCh37 (hg19) VCF-style: chr1-218610733-G-T.
Other names: c.1065G>T, p.Lys355Asn (NM_001135599.4); short protein forms K327N, K355N.
Identifiers: ClinVar variation 426314 (VCV000426314.5), dbSNP rs1085307561, ClinGen allele CA344727496.